The following is an entry in ClinVar:

NM_005441.3(CHAF1B):c.1611C>A (p.Gly537=)

Gene: CHAF1B (chromatin assembly factor 1 subunit B; plus strand). Cytogenetic location: 21q22.13.
Variant type: single nucleotide variant.
Coding change: c.1611C>A on transcript NM_005441.3 (MANE Select); coding-DNA position 1611, C replaced by A.
Protein change: p.Gly537=; no amino-acid change (glycine 537 retained).
Molecular consequence: synonymous variant.
Genome position (GRCh38, 1-based): chr21:36,416,297, C>A. VCF-style: chr21-36416297-C-A. GRCh37 (hg19) VCF-style: chr21-37788595-C-A.
Identifiers: ClinVar variation 2652649 (VCV002652649.24), dbSNP rs138120217, ClinGen allele CA10019149.

ClinVar aggregate classification (germline): Likely benign (1 of 4 stars; one submission).

Allele frequency attached by ClinVar (database versions not stated): ExAC 0.00009; ESP Exome Variant Server 0.00015; 1000 Genomes Project 0.00020; 1000 Genomes Project 30x 0.00031.
gnomAD v4.1: 126 of 1,613,964 alleles (0.0078%); highest among the groups gnomAD compares: African/African-American, 0.15%; no homozygotes.

Submission:

CeGaT Center for Human Genetics Tuebingen
Classification: Likely benign. Last evaluated: 2023-02-01. Review status: criteria provided, single submitter. Criteria: CeGaT Center For Human Genetics Tuebingen Variant Classification Criteria Version 2. Collection method: clinical testing. Allele origin: germline. Affected: yes. Observed: 1 variant allele.
Comment: CHAF1B: BP4, BP7